The following is an entry in ClinVar:

ClinVar aggregate classification (germline): Likely benign (0 of 4 stars; one submission).

Conditions:
MYT1L-related disorder. Also called: MYT1L-related condition.

gnomAD v4.1: 40 of 1,613,726 alleles (0.0025%); highest among the groups gnomAD compares: Middle Eastern, 0.21%; no homozygotes.

Submission:

PreventionGenetics, part of Exact Sciences
Classification: Likely benign for MYT1L-related condition. Last evaluated: 2024-04-08. Review status: no assertion criteria provided. Collection method: clinical testing. Allele origin: germline.
Comment: This variant is classified as likely benign based on ACMG/AMP sequence variant interpretation guidelines (Richards et al. 2015 PMID: 25741868, with internal and published modifications).

NM_001303052.2(MYT1L):c.2442C>T (p.Gly814=)

Gene: MYT1L (myelin transcription factor 1 like; minus strand). Cytogenetic location: 2p25.3.
Variant type: single nucleotide variant.
Coding change: c.2442C>T on transcript NM_001303052.2 (MANE Select); coding-DNA position 2442, C replaced by T.
Protein change: p.Gly814=; no amino-acid change (glycine 814 retained).
Molecular consequence: synonymous variant.
Genome position (GRCh38, 1-based): chr2:1,889,319, G>A on the plus strand (C>T on the coding strand, the complement: MYT1L is on the minus strand). VCF-style: chr2-1889319-G-A. GRCh37 (hg19) VCF-style: chr2-1893091-G-A.
Other names: c.2442C>T, p.Gly814= (NM_001329844.2, NM_001329845.1, NM_001329851.3); c.2436C>T, p.Gly812= (NM_001329846.3, NM_001329847.2, NM_001329848.1 and 3 more transcripts).
Identifiers: ClinVar variation 3352909 (VCV003352909.1).
Genomic context (GRCh38, chr2:1,889,319, plus strand): 5'-GTCCTCGTCTATCCTCCGGGGTTTCATTTTGGTGTAGTCTACGGGCAAGTCCCAGCAGTC[G>A]CCCTCGCCCAGCTGGAAACACCGGTTGTTCATCACTGCCTGCTGCTGGGGGGACATGGGC-3'
Protein context (NP_001289981.1, residues 804-824): MNNRCFQLGE[Gly814=]DCWDLPVDYT